The following is an entry in ClinVar:

NM_007294.4(BRCA1):c.3079_3080delinsGA (p.Ser1027Asp)

Gene: BRCA1 (BRCA1 DNA repair associated; minus strand). Cytogenetic location: 17q21.31.
Variant type: Indel.
Coding change: c.3079_3080delinsGA on transcript NM_007294.4 (MANE Select); coding-DNA positions 3079 to 3080, AG replaced by GA.
Protein change: p.Ser1027Asp; replaces serine 1027 with aspartic acid.
Molecular consequence: missense variant. On other transcripts: intron variant (137).
Genome position (GRCh38, 1-based): chr17:43,092,451-43,092,452, CT replaced by TC on the plus strand (AG replaced by GA on the coding strand, the reverse complement: BRCA1 is on the minus strand). VCF-style: chr17-43092451-CT-TC. GRCh37 (hg19) VCF-style: chr17-41244468-CT-TC.
Other names: c.2866_2867delinsGA, p.Ser956Asp (NM_001407571.1, NM_001407894.1, NM_001407895.1 and 9 more transcripts); c.3079_3080delinsGA, p.Ser1027Asp (NM_001407581.1, NM_001407582.1, NM_001407583.1 and 30 more transcripts); c.3076_3077delinsGA, p.Ser1026Asp (NM_001407587.1, NM_001407590.1, NM_001407591.1 and 22 more transcripts); c.2878_2879delinsGA, p.Ser960Asp (NM_001407862.1); c.2956_2957delinsGA, p.Ser986Asp (NM_001407863.1, NM_001407919.1, NM_001407648.1 and 19 more transcripts); c.2875_2876delinsGA, p.Ser959Asp (NM_001407874.1, NM_001407875.1); c.2869_2870delinsGA, p.Ser957Asp (NM_001407879.1, NM_001407881.1, NM_001407882.1 and 13 more transcripts); c.2815_2816delinsGA, p.Ser939Asp (NM_001407920.1, NM_001407921.1, NM_001407922.1 and 9 more transcripts); and 41 more; short protein forms S1027D, S980D, S1000D, S1024D, S731D, S899D, S900D, S916D.
Identifiers: ClinVar variation 632677 (VCV000632677.4), dbSNP rs1567793005, ClinGen allele CA913190416.

ClinVar aggregate classification (germline): Conflicting classifications of pathogenicity. Review status: criteria provided, conflicting classifications (1 of 4 stars). 2 submissions from 2 submitters: Uncertain significance (1); Likely benign (1). Last evaluated 2023-03-23.

Conditions:
Hereditary cancer-predisposing syndrome. Also called: Tumor predisposition; Neoplastic Syndromes, Hereditary; Hereditary neoplastic syndrome; Hereditary Cancer Syndrome. Identifiers: Orphanet 140162, MedGen C0027672, MeSH D009386, MONDO:0015356.

Submissions (2):

University of Washington Department of Laboratory Medicine, University of Washington
Classification: Likely benign for Hereditary cancer-predisposing syndrome. Last evaluated: 2023-03-23. Review status: criteria provided, single submitter. Criteria: Dines et al. (Genet Med. 2020). Collection method: curation. Allele origin: germline.
Comment: Missense variant in a coldspot region where missense variants are very unlikely to be pathogenic (PMID:31911673).

BRCA1 coldspot (exon 11 using historical exon numbering). Reclassification based on statistical prior probability

Women's Health and Genetics/Laboratory Corporation of America, LabCorp
Classification: Uncertain significance. Last evaluated: 2018-03-21. Review status: criteria provided, single submitter. Criteria: LabCorp Variant Classification Summary - May 2015. Collection method: clinical testing. Allele origin: germline.
Comment: Variant summary: BRCA1 c.3079_3080delinsGA (p.Ser1027Asp) results in a non-conservative amino acid change in the encoded protein sequence. Four of five in-silico tools predict a damaging effect of the variant on protein function. The variant was absent in 276848 control chromosomes (gnomAD). The available data on variant occurrences in the general population are insufficient to allow any conclusion about variant significance. To our knowledge, no occurrence of c.3079_3080delinsGA in individuals affected with Hereditary Breast and Ovarian Cancer and no experimental evidence demonstrating its impact on protein function have been reported. No clinical diagnostic laboratories have submitted clinical-significance assessments for this variant to ClinVar after 2014. Based on the evidence outlined above, the variant was classified as uncertain significance.